The following is an entry in ClinVar:

NM_001382430.1(AKT1):c.1173-31C>G

Gene: AKT1 (AKT serine/threonine kinase 1; minus strand). Cytogenetic location: 14q32.33.
Variant type: single nucleotide variant.
Coding change: c.1173-31C>G on transcript NM_001382430.1 (MANE Select); 31 bases into the intron before coding-DNA position 1173, C replaced by G.
Molecular consequence: intron variant.
Genome position (GRCh38, 1-based): chr14:104,772,483, G>C on the plus strand (C>G on the coding strand, the complement: AKT1 is on the minus strand). VCF-style: chr14-104772483-G-C. GRCh37 (hg19) VCF-style: chr14-105238820-G-C.
Other names: c.1173-31C>G (NM_001014431.2, NM_001014432.2, NM_001382433.1 and 3 more transcripts).
Identifiers: ClinVar variation 1280802 (VCV001280802.10), dbSNP rs61761201, ClinGen allele CA7374538.

ClinVar aggregate classification (germline): Benign. Review status: criteria provided, multiple submitters, no conflicts (2 of 4 stars). 3 submissions from 3 submitters: Benign (3). Last evaluated 2025-06-01.

Allele frequency attached by ClinVar (database versions not stated): 1000 Genomes Project 0.02157; 1000 Genomes Project 30x 0.02171; TOPMed 0.03765; gnomAD 0.03956 and 0.04100; ESP Exome Variant Server 0.04260; gnomAD exomes 0.04279 and 0.05065; ExAC 0.04294.

Submissions (3):

CeGaT Center for Human Genetics Tuebingen
Classification: Benign. Last evaluated: 2025-06-01. Review status: criteria provided, single submitter. Criteria: CeGaT Center For Human Genetics Tuebingen Variant Classification Criteria Version 2. Collection method: clinical testing. Allele origin: germline. Affected: yes. Observed: 1 variant allele.
Comment: AKT1: BS1, BS2

GeneDx
Classification: Benign. Last evaluated: 2019-01-10. Review status: criteria provided, single submitter. Criteria: GeneDx Variant Classification Process June 2021. Collection method: clinical testing. Allele origin: germline. Affected: yes.

Breakthrough Genomics
Classification: Benign. Review status: criteria provided, single submitter. Criteria: ACMG Guidelines, 2015. Collection method: not provided. Allele origin: germline. Inheritance: Autosomal dominant inheritance. Affected: yes.